The following is an entry in ClinVar:

NM_000074.3(CD40LG):c.158T>C (p.Ile53Thr)

Gene: CD40LG (CD40 ligand; plus strand). Cytogenetic location: Xq26.3.
Variant type: single nucleotide variant.
Coding change: c.158T>C on transcript NM_000074.3 (MANE Select); coding-DNA position 158, T replaced by C.
Protein change: p.Ile53Thr; replaces isoleucine 53 with threonine.
Molecular consequence: missense variant.
Genome position (GRCh38, 1-based): chrX:136,650,267, T>C. VCF-style: chrX-136650267-T-C. GRCh37 (hg19) VCF-style: chrX-135732426-T-C.
Other names: short protein forms I53T.
Identifiers: ClinVar variation 3610793 (VCV003610793.2).

ClinVar aggregate classification (germline): Uncertain significance (1 of 4 stars; one submission).

Conditions:
Hyper-IgM syndrome type 1. Also called: Hyper-IgM Immunodeficiency Syndrome, Type 1; CD40 Ligand Deficiency; X-linked hyper-IgM syndrome; Immunodeficiency, X-linked, with hyper-IgM. Identifiers: Orphanet 101088, MedGen C0398689, MONDO:0010626, OMIM 308230.

gnomAD v4.1: 2 of 1,177,776 alleles (0.00017%); highest among the groups gnomAD compares: Admixed American, 0.0022%; no homozygotes.

Submission:

Labcorp Genetics (formerly Invitae), Labcorp
Classification: Uncertain significance for Hyper-IgM syndrome type 1. Last evaluated: 2024-10-19. Review status: criteria provided, single submitter. Criteria: Invitae Variant Classification Sherloc (09022015). Collection method: clinical testing. Allele origin: germline.
Comment: This sequence change replaces isoleucine, which is neutral and non-polar, with threonine, which is neutral and polar, at codon 53 of the CD40LG protein (p.Ile53Thr). This variant is present in population databases (rs778219718, gnomAD 0.008%). This variant has not been reported in the literature in individuals affected with CD40LG-related conditions. An algorithm developed to predict the effect of missense changes on protein structure and function (PolyPhen-2) suggests that this variant is likely to be tolerated. In summary, the available evidence is currently insufficient to determine the role of this variant in disease. Therefore, it has been classified as a Variant of Uncertain Significance.